The following is an entry in ClinVar:

ClinVar aggregate classification (germline): Pathogenic (1 of 4 stars; one submission).

Conditions:
Xanthinuria type II. Also called: Xanthine dehydrogenase and aldehyde oxidase combined deficiency of; XDH and AOX dual deficiency. Identifiers: Orphanet 3467, Orphanet 93602, MedGen C1863688, MONDO:0011346, OMIM 603592.

Submission:

Labcorp Genetics (formerly Invitae), Labcorp
Classification: Pathogenic for Xanthinuria type II. Last evaluated: 2022-07-14. Review status: criteria provided, single submitter. Criteria: Invitae Variant Classification Sherloc (09022015). Collection method: clinical testing. Allele origin: germline.
Comment: For these reasons, this variant has been classified as Pathogenic. This sequence change creates a premature translational stop signal (p.Trp792*) in the MOCOS gene. It is expected to result in an absent or disrupted protein product. Loss-of-function variants in MOCOS are known to be pathogenic (PMID: 11302742, 17368066). This variant is not present in population databases (gnomAD no frequency). This variant has not been reported in the literature in individuals affected with MOCOS-related conditions.

Literature cited by the submitters: PubMed 11302742; PubMed 17368066.

NM_017947.4(MOCOS):c.2376G>A (p.Trp792Ter)

Gene: MOCOS (molybdenum cofactor sulfurase; plus strand). Cytogenetic location: 18q12.2.
Variant type: single nucleotide variant.
Coding change: c.2376G>A on transcript NM_017947.4 (MANE Select); coding-DNA position 2376, G replaced by A.
Protein change: p.Trp792Ter; replaces tryptophan 792 with a stop codon.
Molecular consequence: nonsense.
Genome position (GRCh38, 1-based): chr18:36,260,142, G>A. VCF-style: chr18-36260142-G-A. GRCh37 (hg19) VCF-style: chr18-33840105-G-A.
Other names: short protein forms W792*.
Identifiers: ClinVar variation 2017024 (VCV002017024.4), dbSNP rs2510984970, ClinGen allele CA402291131.